The following is an entry in ClinVar:

NM_006371.5(CRTAP):c.822_826delinsT (p.Lys274fs)

Gene: CRTAP (cartilage associated protein; plus strand). Cytogenetic location: 3p22.3.
Variant type: Indel.
Coding change: c.822_826delinsT on transcript NM_006371.5 (MANE Select); coding-DNA positions 822 to 826, AATAC replaced by T.
Protein change: p.Lys274fs; shifts the reading frame from lysine 274.
Molecular consequence: frameshift variant. On other transcripts: intron variant (1).
Genome position (GRCh38, 1-based): chr3:33,129,967-33,129,971, AATAC replaced by T. VCF-style: chr3-33129967-AATAC-T. GRCh37 (hg19) VCF-style: chr3-33171459-AATAC-T.
Other names: c.822_826delinsT, p.Lys274fs (NM_001393363.1); c.672_676delinsT, p.Lys224fs (NM_001393365.1); c.822_826delAATACinsT, p.Lys274Asnfs (NM_006371.4); c.794-2588_794-2584delinsT (NM_001393364.1); short protein forms K224fs, K274fs.
Identifiers: ClinVar variation 2506711 (VCV002506711.3), dbSNP rs137853946, ClinGen allele CA72668058.
Genomic context (GRCh38, chr3:33,129,967, plus strand): 5'-ACTGCTCTGAAAATTTATATGTTTTGTTTCAGATCATTATGTAGAAGTTCTGGAATGCAA[AATAC>T]AGTGTGAAGAGAACCTCACCCCAGTTATAGGAGGCTATCCGGTTGAGAAATTTGTGGCTA-3'

ClinVar aggregate classification (germline): Pathogenic. Review status: criteria provided, multiple submitters, no conflicts (2 of 4 stars). 2 submissions from 2 submitters: Pathogenic (2). Last evaluated 2025-05-03.

Conditions:
Osteogenesis imperfecta type 7 (OI7). Also called: OI type 7; OI type VII; OSTEOGENESIS IMPERFECTA, TYPE IIB; Osteogenesis imperfecta type 2B; OI type 2B; Osteogenesis imperfecta, perinatal lethal autosomal recessive. Identifiers: MedGen C1853162, MONDO:0012536, OMIM 610682.

Submissions (2):

Labcorp Genetics (formerly Invitae), Labcorp
Classification: Pathogenic for Osteogenesis imperfecta type 7. Last evaluated: 2025-05-03. Review status: criteria provided, single submitter. Criteria: Invitae Variant Classification Sherloc (09022015). Collection method: clinical testing. Allele origin: germline.
Comment: This sequence change creates a premature translational stop signal (p.Lys274Asnfs*11) in the CRTAP gene. It is expected to result in an absent or disrupted protein product. Loss-of-function variants in CRTAP are known to be pathogenic (PMID: 17055431, 19862557, 24715559). Information on the frequency of this variant in the gnomAD database is not available, as this variant may be reported differently in the database. This premature translational stop signal has been observed in individual(s) with osteogenesis imperfecta (PMID: 18566967). For these reasons, this variant has been classified as Pathogenic.

GeneDx
Classification: Pathogenic. Last evaluated: 2022-12-22. Review status: criteria provided, single submitter. Criteria: GeneDx Variant Classification Process June 2021. Collection method: clinical testing. Allele origin: germline. Affected: yes.
Comment: Frameshift variant predicted to result in protein truncation or nonsense mediated decay in a gene for which loss of function is a known mechanism of disease; Not observed at significant frequency in large population cohorts (gnomAD); This variant is associated with the following publications: (PMID: 18566967)

Literature cited by the submitters: PubMed 17055431 (cited by Labcorp Genetics (formerly Invitae), Labcorp); PubMed 19862557 (cited by Labcorp Genetics (formerly Invitae), Labcorp); PubMed 24715559 (cited by Labcorp Genetics (formerly Invitae), Labcorp); PubMed 18566967 (cited by Labcorp Genetics (formerly Invitae), Labcorp).